The following is an entry in ClinVar:

ClinVar aggregate classification (germline): Uncertain significance (1 of 4 stars; one submission).

Submission:

Labcorp Genetics (formerly Invitae), Labcorp
Classification: Uncertain significance. Last evaluated: 2018-11-22. Review status: criteria provided, single submitter. Criteria: Invitae Variant Classification Sherloc (09022015). Collection method: clinical testing. Allele origin: germline.
Comment: In summary, the available evidence is currently insufficient to determine the role of this variant in disease. Therefore, it has been classified as a Variant of Uncertain Significance. Algorithms developed to predict the effect of missense changes on protein structure and function are either unavailable or do not agree on the potential impact of this missense change (SIFT: "Deleterious"; PolyPhen-2: "Benign"; Align-GVGD: "Class C0"). This variant has not been reported in the literature in individuals with CTNNA1-related conditions. This variant is not present in population databases (ExAC no frequency). This sequence change replaces valine with leucine at codon 656 of the CTNNA1 protein (p.Val656Leu). The valine residue is highly conserved and there is a small physicochemical difference between valine and leucine.

NM_001903.5(CTNNA1):c.1966G>C (p.Val656Leu)

Gene: CTNNA1 (catenin alpha 1; plus strand). Cytogenetic location: 5q31.2.
Variant type: single nucleotide variant.
Coding change: c.1966G>C on transcript NM_001903.5 (MANE Select); coding-DNA position 1966, G replaced by C.
Protein change: p.Val656Leu; replaces valine 656 with leucine.
Molecular consequence: missense variant.
Genome position (GRCh38, 1-based): chr5:138,929,312, G>C. VCF-style: chr5-138929312-G-C. GRCh37 (hg19) VCF-style: chr5-138265001-G-C.
Other names: c.1966G>C, p.Val656Leu (NM_001290307.3, NM_001323982.2, NM_001323983.1 and 2 more transcripts); c.1657G>C, p.Val553Leu (NM_001290309.3); c.1597G>C, p.Val533Leu (NM_001290310.3); c.856G>C, p.Val286Leu (NM_001290312.1, NM_001323987.1, NM_001323988.1 and 17 more transcripts); c.1873G>C, p.Val625Leu (NM_001323986.2); c.517G>C, p.Val173Leu (NM_001324006.1, NM_001324007.1, NM_001324008.1 and 2 more transcripts); c.763G>C, p.Val255Leu (NM_001324011.1); c.613G>C, p.Val205Leu (NM_001324012.1, NM_001324013.1); short protein forms V205L, V553L, V625L, V173L, V255L, V656L, V286L, V533L.
Identifiers: ClinVar variation 652432 (VCV000652432.8), dbSNP rs564390551, ClinGen allele CA361132823.